The following is an entry in ClinVar:

NM_201384.3(PLEC):c.2269G>A (p.Val757Ile)

Gene: PLEC (plectin; minus strand). Cytogenetic location: 8q24.3.
Variant type: single nucleotide variant.
Coding change: c.2269G>A on transcript NM_201384.3 (MANE Select); coding-DNA position 2269, G replaced by A.
Protein change: p.Val757Ile; replaces valine 757 with isoleucine.
Molecular consequence: missense variant.
Genome position (GRCh38, 1-based): chr8:143,931,569, C>T on the plus strand (G>A on the coding strand, the complement: PLEC is on the minus strand). VCF-style: chr8-143931569-C-T. GRCh37 (hg19) VCF-style: chr8-145005737-C-T.
Other names: c.2350G>A, p.Val784Ile (NM_000445.5); c.2227G>A, p.Val743Ile (NM_201378.4); c.2203G>A, p.Val735Ile (NM_201379.3); c.2680G>A, p.Val894Ile (NM_201380.4); c.2173G>A, p.Val725Ile (NM_201381.3); c.2269G>A, p.Val757Ile (NM_201382.4); c.2281G>A, p.Val761Ile (NM_201383.3); c.2350G>A (NM_000445.3); short protein forms V735I, V757I, V725I, V784I, V743I, V761I, V894I.
Identifiers: ClinVar variation 565915 (VCV000565915.7), dbSNP rs782595372, ClinGen allele CA4927597.

ClinVar aggregate classification (germline): Uncertain significance. Review status: criteria provided, multiple submitters, no conflicts (2 of 4 stars). 2 submissions from 2 submitters: Uncertain significance (2). Last evaluated 2024-09-11.

Conditions:
Epidermolysis bullosa simplex, Ogna type (EBS5A). Also called: Pidermolysis bullosa simplex 5A, Ogna type; EPIDERMOLYSIS BULLOSA SIMPLEX 5A, OGNA TYPE. Identifiers: Orphanet 79401, MedGen C0432317, MONDO:0007555, OMIM 131950.
Autosomal recessive limb-girdle muscular dystrophy type 2Q (LGMDR17). Also called: MUSCULAR DYSTROPHY, LIMB-GIRDLE, AUTOSOMAL RECESSIVE 17. Identifiers: Orphanet 254361, MedGen C3150989, MONDO:0013390, OMIM 613723.
Epidermolysis bullosa simplex 5C, with pyloric atresia (EBS5C). Also called: PLEC-Related Epidermolysis Bullosa with Pyloric Atresia; Epidermolysis bullosa simplex with pyloric atresia; PLEC1-Related Epidermolysis Bullosa with Pyloric Atresia. Identifiers: Orphanet 158684, MedGen C2677349, MONDO:0012807, OMIM 612138.
Epidermolysis bullosa simplex 5B, with muscular dystrophy (EBS5B). Also called: EPIDERMOLYSIS BULLOSA SIMPLEX AND LIMB-GIRDLE MUSCULAR DYSTROPHY; Epidermolysis bullosa simplex with muscular dystrophy. Identifiers: Orphanet 257, MedGen C2931072, MONDO:0009181, OMIM 226670.
Epidermolysis bullosa simplex with nail dystrophy (EBS5D). Identifiers: MedGen C4225309, MONDO:0014661, OMIM 616487.
Inborn genetic diseases. Identifiers: MedGen C0950123, MeSH D030342.

Allele frequency attached by ClinVar (database versions not stated): gnomAD 0.00001; gnomAD exomes 0.00001; ExAC 0.00002; TOPMed 0.00002.
gnomAD v4.1: 29 of 1,596,720 alleles (0.0018%); highest among the groups gnomAD compares: African/African-American, 0.0027%; no homozygotes.

Submissions (2):

Labcorp Genetics (formerly Invitae), Labcorp
Classification: Uncertain significance for Autosomal recessive limb-girdle muscular dystrophy type 2Q; Epidermolysis bullosa simplex, Ogna type; Epidermolysis bullosa simplex with nail dystrophy; Epidermolysis bullosa simplex 5C, with pyloric atresia; Epidermolysis bullosa simplex 5B, with muscular dystrophy. Last evaluated: 2024-09-11. Review status: criteria provided, single submitter. Criteria: Invitae Variant Classification Sherloc (09022015). Collection method: clinical testing. Allele origin: germline.
Comment: This sequence change replaces valine, which is neutral and non-polar, with isoleucine, which is neutral and non-polar, at codon 784 of the PLEC protein (p.Val784Ile). The frequency data for this variant in the population databases is considered unreliable, as metrics indicate poor data quality at this position in the gnomAD database. This variant has not been reported in the literature in individuals affected with PLEC-related conditions. ClinVar contains an entry for this variant (Variation ID: 565915). Invitae Evidence Modeling of protein sequence and biophysical properties (such as structural, functional, and spatial information, amino acid conservation, physicochemical variation, residue mobility, and thermodynamic stability) indicates that this missense variant is expected to disrupt PLEC protein function with a positive predictive value of 80%. In summary, the available evidence is currently insufficient to determine the role of this variant in disease. Therefore, it has been classified as a Variant of Uncertain Significance.

Ambry Genetics
Classification: Uncertain significance for Inborn genetic diseases. Last evaluated: 2024-01-16. Review status: criteria provided, single submitter. Criteria: Ambry Variant Classification Scheme 2023. Collection method: clinical testing. Allele origin: germline.